The following is an entry in ClinVar:

NM_006361.6(HOXB13):c.244dup (p.Tyr82fs)

Gene: HOXB13 (homeobox B13; minus strand). Cytogenetic location: 17q21.32.
Variant type: Duplication.
Coding change: c.244dup on transcript NM_006361.6 (MANE Select); coding-DNA position 244, one base duplicated (T; older notation c.244dupT).
Protein change: p.Tyr82fs; shifts the reading frame from tyrosine 82.
Molecular consequence: frameshift variant.
Genome position (GRCh38, 1-based): chr17:48,728,350, A duplicated on the plus strand (T on the coding strand, the reverse complement: HOXB13 is on the minus strand); the first of 2 consecutive A bases (chr17:48,728,350-48,728,351); duplicating either gives the same sequence. VCF-style (leftmost placement, unchanged base first): chr17-48728349-T-TA. GRCh37 (hg19) VCF-style: chr17-46805711-T-TA.
Other names: c.244dup (NM_006361.5); short protein forms Y82fs.
Identifiers: ClinVar variation 2066998 (VCV002066998.4), dbSNP rs2038237526, ClinGen allele CA2263242618.

ClinVar aggregate classification (germline): Uncertain significance. Review status: criteria provided, multiple submitters, no conflicts (2 of 4 stars). 2 submissions from 2 submitters: Uncertain significance (2). Last evaluated 2022-10-19.

Submissions (2):

Quest Diagnostics Nichols Institute San Juan Capistrano
Classification: Uncertain significance. Last evaluated: 2022-10-19. Review status: criteria provided, single submitter. Criteria: Quest Diagnostics criteria. Collection method: clinical testing. Allele origin: unknown.
Comment: This frameshift variant alters the translational reading frame of the HOXB13 mRNA and is predicted to cause the premature termination of HOXB13 protein synthesis. However, it is unknown if loss-of-function is a disease mechanism for this gene, and so this information cannot be used towards pathogenicity. To the best of our knowledge, the variant has not been reported in online databases or the published literature. It also has not been reported in large, multi-ethnic general populations. Based on the available information, we are unable to determine the clinical significance of this variant.

Labcorp Genetics (formerly Invitae), Labcorp
Classification: Uncertain significance. Last evaluated: 2022-04-01. Review status: criteria provided, single submitter. Criteria: Invitae Variant Classification Sherloc (09022015). Collection method: clinical testing. Allele origin: germline.
Comment: In summary, the available evidence is currently insufficient to determine the role of this variant in disease. Therefore, it has been classified as a Variant of Uncertain Significance. This variant has not been reported in the literature in individuals affected with HOXB13-related conditions. This variant is not present in population databases (gnomAD no frequency). This sequence change creates a premature translational stop signal (p.Tyr82Leufs*45) in the HOXB13 gene. It is expected to result in an absent or disrupted protein product. However, the current clinical and genetic evidence is not sufficient to establish whether loss-of-function variants in HOXB13 cause disease.